The following is an entry in ClinVar:

NM_000069.3(CACNA1S):c.708G>C (p.Thr236=)

Gene: CACNA1S (calcium voltage-gated channel subunit alpha1 S; minus strand). Cytogenetic location: 1q32.1.
Variant type: single nucleotide variant.
Coding change: c.708G>C on transcript NM_000069.3 (MANE Select); coding-DNA position 708, G replaced by C.
Protein change: p.Thr236=; no amino-acid change (threonine 236 retained).
Molecular consequence: synonymous variant.
Genome position (GRCh38, 1-based): chr1:201,089,450, C>G on the plus strand (G>C on the coding strand, the complement: CACNA1S is on the minus strand). VCF-style: chr1-201089450-C-G. GRCh37 (hg19) VCF-style: chr1-201058578-C-G.
Identifiers: ClinVar variation 382754 (VCV000382754.18), dbSNP rs754213830, ClinGen allele CA083971.

ClinVar aggregate classification (germline): Likely benign. Review status: criteria provided, multiple submitters, no conflicts (2 of 4 stars). 6 submissions from 6 submitters: Likely benign (6). Last evaluated 2026-08-01.

Conditions:
Hypokalemic periodic paralysis, type 1. Also called: HypoPP; Hypokalemic Periodic Paralysis Type 1 (AD). Identifiers: Orphanet 681, MedGen C3714580, MONDO:0042979, OMIM 170400.
Malignant hyperthermia, susceptibility to, 5 (MHS5). Also called: CACNA1S-Related Malignant Hyperthermia Susceptibility. Identifiers: Orphanet 423, MedGen C1866077, MONDO:0011163, OMIM 601887.
Thyrotoxic periodic paralysis, susceptibility to, 1 (TTPP1). Identifiers: Orphanet 79102, MedGen C2749982, MONDO:0008570, OMIM 188580.

Allele frequency attached by ClinVar (database versions not stated): gnomAD 0.00002; TOPMed 0.00006.
gnomAD v4.1: 46 of 1,613,830 alleles (0.0029%); highest among the groups gnomAD compares: Admixed American, 0.073%; no homozygotes.

Submissions (6):

CeGaT Center for Human Genetics Tuebingen
Classification: Likely benign. Last evaluated: 2026-08-01. Review status: criteria provided, single submitter. Criteria: CeGaT Center For Human Genetics Tuebingen Variant Classification Criteria Version 2. Collection method: clinical testing. Allele origin: germline. Affected: yes. Observed: 2 variant alleles.
Comment: CACNA1S: BP4, BP7

Labcorp Genetics (formerly Invitae), Labcorp
Classification: Likely benign for Hypokalemic periodic paralysis, type 1; Malignant hyperthermia, susceptibility to, 5. Last evaluated: 2026-01-31. Review status: criteria provided, single submitter. Criteria: Invitae Variant Classification Sherloc (09022015). Collection method: clinical testing. Allele origin: germline.

Revvity Omics, Revvity
Classification: Likely benign. Last evaluated: 2024-07-01. Review status: criteria provided, single submitter. Criteria: ACMG Guidelines, 2015. Collection method: clinical testing. Allele origin: germline.

Color Diagnostics, LLC DBA Color Health
Classification: Likely benign for Malignant hyperthermia, susceptibility to, 5. Last evaluated: 2022-11-06. Review status: criteria provided, single submitter. Criteria: ACMG Guidelines, 2015. Collection method: clinical testing. Allele origin: germline.

Fulgent Genetics
Classification: Likely benign for Hypokalemic periodic paralysis, type 1; Thyrotoxic periodic paralysis, susceptibility to, 1; Malignant hyperthermia, susceptibility to, 5. Last evaluated: 2022-03-16. Review status: criteria provided, single submitter. Criteria: ACMG Guidelines, 2015. Collection method: clinical testing. Allele origin: unknown.

GeneDx
Classification: Likely benign. Last evaluated: 2016-01-28. Review status: criteria provided, single submitter. Criteria: GeneDx Variant Classification (06012015). Collection method: clinical testing. Allele origin: germline. Affected: yes.
Comment: This variant is considered likely benign or benign based on one or more of the following criteria: it is a conservative change, it occurs at a poorly conserved position in the protein, it is predicted to be benign by multiple in silico algorithms, and/or has population frequency not consistent with disease.